The following is an entry in ClinVar:

ClinVar aggregate classification (germline): Uncertain significance (1 of 4 stars; one submission).

Conditions:
Charcot-Marie-Tooth disease axonal type 2O. Also called: CHARCOT-MARIE-TOOTH NEUROPATHY, AXONAL, TYPE 2O; CHARCOT-MARIE-TOOTH DISEASE, AXONAL, AUTOSOMAL DOMINANT, TYPE 2O; Charcot-Marie-Tooth Neuropathy Type 2O; Charcot-Marie-Tooth disease, axonal, type 20. Identifiers: Orphanet 284232, MedGen C3280220, MONDO:0013644, OMIM 614228.

Submission:

Labcorp Genetics (formerly Invitae), Labcorp
Classification: Uncertain significance for Charcot-Marie-Tooth disease axonal type 2O. Last evaluated: 2023-07-20. Review status: criteria provided, single submitter. Criteria: Invitae Variant Classification Sherloc (09022015). Collection method: clinical testing. Allele origin: germline.
Comment: In summary, the available evidence is currently insufficient to determine the role of this variant in disease. Therefore, it has been classified as a Variant of Uncertain Significance. Advanced modeling of protein sequence and biophysical properties (such as structural, functional, and spatial information, amino acid conservation, physicochemical variation, residue mobility, and thermodynamic stability) performed at Invitae indicates that this missense variant is not expected to disrupt DYNC1H1 protein function. This sequence change replaces methionine, which is neutral and non-polar, with leucine, which is neutral and non-polar, at codon 1417 of the DYNC1H1 protein (p.Met1417Leu). This variant is not present in population databases (gnomAD no frequency). This variant has not been reported in the literature in individuals affected with DYNC1H1-related conditions.

NM_001376.5(DYNC1H1):c.4249A>T (p.Met1417Leu)

Gene: DYNC1H1 (dynein cytoplasmic 1 heavy chain 1; plus strand). Cytogenetic location: 14q32.31.
Variant type: single nucleotide variant.
Coding change: c.4249A>T on transcript NM_001376.5 (MANE Select); coding-DNA position 4249, A replaced by T.
Protein change: p.Met1417Leu; replaces methionine 1417 with leucine.
Molecular consequence: missense variant.
Genome position (GRCh38, 1-based): chr14:102,001,208, A>T. VCF-style: chr14-102001208-A-T. GRCh37 (hg19) VCF-style: chr14-102467545-A-T.
Other names: short protein forms M1417L.
Identifiers: ClinVar variation 2894425 (VCV002894425.3), dbSNP rs2503730136, ClinGen allele CA391040249.